The following is an entry in ClinVar:

NM_000388.4(CASR):c.1844C>T (p.Ala615Val)

Gene: CASR (calcium sensing receptor; plus strand). Cytogenetic location: 3q21.1.
Variant type: single nucleotide variant.
Coding change: c.1844C>T on transcript NM_000388.4 (MANE Select); coding-DNA position 1844, C replaced by T.
Protein change: p.Ala615Val; replaces alanine 615 with valine.
Molecular consequence: missense variant.
Genome position (GRCh38, 1-based): chr3:122,283,798, C>T. VCF-style: chr3-122283798-C-T. GRCh37 (hg19) VCF-style: chr3-122002645-C-T.
Other names: c.1874C>T, p.Ala625Val (NM_001178065.2); short protein forms A615V, A625V.
Identifiers: ClinVar variation 1968601 (VCV001968601.5), dbSNP rs2473276538, ClinGen allele CA354157597.

ClinVar aggregate classification (germline): Uncertain significance (1 of 4 stars; one submission).

Conditions:
Familial hypocalciuric hypercalcemia (FHH). Also called: Familial benign hypercalcemia. Identifiers: Orphanet 405, MedGen C1809471, MONDO:0018458.
Autosomal dominant hypocalcemia 1 (HYPOC1). Also called: HYPOCALCEMIA, FAMILIAL. Identifiers: MedGen C3715128, MONDO:0011013, OMIM 601198.

Submission:

Labcorp Genetics (formerly Invitae), Labcorp
Classification: Uncertain significance for Familial hypocalciuric hypercalcemia; Autosomal dominant hypocalcemia 1. Last evaluated: 2022-09-20. Review status: criteria provided, single submitter. Criteria: Invitae Variant Classification Sherloc (09022015). Collection method: clinical testing. Allele origin: germline.
Comment: In summary, the available evidence is currently insufficient to determine the role of this variant in disease. Therefore, it has been classified as a Variant of Uncertain Significance. Algorithms developed to predict the effect of missense changes on protein structure and function (SIFT, PolyPhen-2, Align-GVGD) all suggest that this variant is likely to be disruptive. This variant has not been reported in the literature in individuals affected with CASR-related conditions. This variant is not present in population databases (gnomAD no frequency). This sequence change replaces alanine, which is neutral and non-polar, with valine, which is neutral and non-polar, at codon 615 of the CASR protein (p.Ala615Val).